The following is an entry in ClinVar:

ClinVar aggregate classification (germline): Pathogenic (1 of 4 stars; one submission).

Submission:

Clinical Genomics Laboratory, Laboratory for Precision Diagnostics, University of Washington
Classification: Pathogenic. Last evaluated: 2023-10-30. Review status: criteria provided, single submitter. Criteria: ACMG/ClinGen CNV Guidelines, 2019. Collection method: clinical testing. Allele origin: unknown. Affected: yes. Observed: 1 variant allele.
Comment: This terminal deletion is approximately 9.3 Mb in size and contains at least 58 protein-coding genes, including DOCK1 and EBF3. Terminal deletions of chromosome 10q have been reported several times. Congenital abnormalities are varied, but low muscle tone, short stature, distinctive facial features, developmental delay, and intellectual disability are very common. PMID: 34252586 suggest that deletion of DOCK1 contributes to the growth failure, intellectual disability, and distinctive facial features seen in people with deletions of 10q26. Loss of function of one copy of EBF3, including whole-gene deletions, causes EBF3 neurodevelopmental disorder (EBF3-NDD). This condition is also known as Hypotonia, Ataxia, and Delayed Development Syndrome (HADDS). See NBK:570204 and PMID:34050706 for current overviews. Features of EBF3-NDD include developmental delay (especially speech) and intellectual disability, low muscle tone, distinctive facial features, behavior problems, and difficulty with balance and coordination (ataxia). Bilateral clubfoot has been reported multiple times in people with EBF33-NDD.

Literature cited by the submitters: PubMed 34252586.

GRCh38/hg38 10q26.13-26.3(chr10:124322351-133634467)x1

Genes: ABRAXAS2 (abraxas 2, BRISC complex subunit; plus strand), ADAM12 (ADAM metallopeptidase domain 12; minus strand), ADAM8 (ADAM metallopeptidase domain 8; minus strand), ADGRA1 (adhesion G protein-coupled receptor A1; plus strand), ADGRA1-AS1 (ADGRA1 antisense RNA 1; minus strand) and 303 more. Cytogenetic location: 10q26.13-26.3.
Variant type: copy number loss.
Change: copy number 1 (one copy instead of two) of chr10:124,322,351-133,634,467 (9.31 Mb, GRCh38 coordinates, 1-based), cytogenetic band 10q26.13-26.3.
Identifiers: ClinVar variation 4890956 (VCV004890956.1).